The following is an entry in ClinVar:

ClinVar aggregate classification (germline): Uncertain significance. Review status: criteria provided, multiple submitters, no conflicts (2 of 4 stars). 2 submissions from 2 submitters: Uncertain significance (2). Last evaluated 2025-03-22.

Conditions:
Inborn genetic diseases. Identifiers: MedGen C0950123, MeSH D030342.
Myopathy, proximal, and ophthalmoplegia (CMYO6). Also called: INCLUSION BODY MYOPATHY 3, AUTOSOMAL DOMINANT; MYOPATHY WITH CONGENITAL JOINT CONTRACTURES, OPHTHALMOPLEGIA, AND RIMMED VACUOLES; CONGENITAL MYOPATHY 6 WITH OPHTHALMOPLEGIA. Identifiers: Orphanet 363677, Orphanet 79091, MedGen C1854106, MONDO:0011577, OMIM 605637.

Submissions (2):

Ambry Genetics
Classification: Uncertain significance for Inborn genetic diseases. Last evaluated: 2025-03-22. Review status: criteria provided, single submitter. Criteria: Ambry Variant Classification Scheme 2023. Collection method: clinical testing. Allele origin: germline.

Labcorp Genetics (formerly Invitae), Labcorp
Classification: Uncertain significance for Myopathy, proximal, and ophthalmoplegia. Last evaluated: 2024-06-23. Review status: criteria provided, single submitter. Criteria: Invitae Variant Classification Sherloc (09022015). Collection method: clinical testing. Allele origin: germline.
Comment: This sequence change replaces isoleucine, which is neutral and non-polar, with valine, which is neutral and non-polar, at codon 481 of the MYH2 protein (p.Ile481Val). This variant is not present in population databases (gnomAD no frequency). This variant has not been reported in the literature in individuals affected with MYH2-related conditions. ClinVar contains an entry for this variant (Variation ID: 1363155). Advanced modeling of protein sequence and biophysical properties (such as structural, functional, and spatial information, amino acid conservation, physicochemical variation, residue mobility, and thermodynamic stability) performed at Invitae indicates that this missense variant is expected to disrupt MYH2 protein function with a positive predictive value of 80%. In summary, the available evidence is currently insufficient to determine the role of this variant in disease. Therefore, it has been classified as a Variant of Uncertain Significance.

NM_017534.6(MYH2):c.1441A>G (p.Ile481Val)

Genes: MYH2 (myosin heavy chain 2; minus strand), MYHAS (myosin heavy chain gene cluster antisense RNA; plus strand). Cytogenetic location: 17p13.1.
Variant type: single nucleotide variant.
Coding change: c.1441A>G on transcript NM_017534.6 (MANE Select); coding-DNA position 1441, A replaced by G.
Protein change: p.Ile481Val; replaces isoleucine 481 with valine.
Molecular consequence: missense variant.
Genome position (GRCh38, 1-based): chr17:10,537,811, T>C on the plus strand (A>G on the coding strand, the complement: MYH2 is on the minus strand). VCF-style: chr17-10537811-T-C. GRCh37 (hg19) VCF-style: chr17-10441128-T-C.
Other names: c.1441A>G, p.Ile481Val (NM_001100112.2); c.1441A>G (NM_017534.5); short protein forms I481V.
Identifiers: ClinVar variation 1363155 (VCV001363155.9), dbSNP rs2142311275, ClinGen allele CA398158037.
Genomic context (GRCh38, chr17:10,537,811, plus strand): 5'-GCTCCAGCACGAACATGTGGTGGTTGAAAAACTGTTGCAGTTTCTCATTGGTGAAGTTGA[T>C]GCACAGCTGCTCCAGGCTGTTGAACTAAATAAATAGATATGTTTACTTCTCTCTTAAGCA-3'
Protein context (NP_060004.3, residues 471-491): FDFNSLEQLC[Ile481Val]NFTNEKLQQF